The following is an entry in ClinVar:

ClinVar aggregate classification (germline): Uncertain significance (1 of 4 stars; one submission).

Allele frequency attached by ClinVar (database versions not stated): gnomAD exomes below 0.00001; ExAC 0.00001.

Submission:

Labcorp Genetics (formerly Invitae), Labcorp
Classification: Uncertain significance. Last evaluated: 2022-02-02. Review status: criteria provided, single submitter. Criteria: Invitae Variant Classification Sherloc (09022015). Collection method: clinical testing. Allele origin: germline.
Comment: This sequence change replaces glutamic acid, which is acidic and polar, with glycine, which is neutral and non-polar, at codon 2119 of the SZT2 protein (p.Glu2119Gly). This variant is present in population databases (rs746143560, gnomAD 0.0009%). This variant has not been reported in the literature in individuals affected with SZT2-related conditions. ClinVar contains an entry for this variant (Variation ID: 1054548). Algorithms developed to predict the effect of missense changes on protein structure and function are either unavailable or do not agree on the potential impact of this missense change (SIFT: "Tolerated"; PolyPhen-2: "Probably Damaging"; Align-GVGD: "Class C0"). In summary, the available evidence is currently insufficient to determine the role of this variant in disease. Therefore, it has been classified as a Variant of Uncertain Significance.

NM_001365999.1(SZT2):c.6527A>G (p.Glu2176Gly)

Gene: SZT2 (SZT2 subunit of KICSTOR complex; plus strand). Cytogenetic location: 1p34.2.
Variant type: single nucleotide variant.
Coding change: c.6527A>G on transcript NM_001365999.1 (MANE Select); coding-DNA position 6527, A replaced by G.
Protein change: p.Glu2176Gly; replaces glutamic acid 2176 with glycine.
Molecular consequence: missense variant.
Genome position (GRCh38, 1-based): chr1:43,438,717, A>G. VCF-style: chr1-43438717-A-G. GRCh37 (hg19) VCF-style: chr1-43904388-A-G.
Other names: c.6356A>G, p.Glu2119Gly (NM_015284.4); short protein forms E2119G, E2176G.
Identifiers: ClinVar variation 1054548 (VCV001054548.9), dbSNP rs746143560, ClinGen allele CA809934.